The following is an entry in ClinVar:

NM_000081.4(LYST):c.9699T>C (p.Tyr3233=)

Gene: LYST (lysosomal trafficking regulator; minus strand). Cytogenetic location: 1q42.3.
Variant type: single nucleotide variant.
Coding change: c.9699T>C on transcript NM_000081.4 (MANE Select); coding-DNA position 9699, T replaced by C.
Protein change: p.Tyr3233=; no amino-acid change (tyrosine 3233 retained).
Molecular consequence: synonymous variant.
Genome position (GRCh38, 1-based): chr1:235,715,286, A>G on the plus strand (T>C on the coding strand, the complement: LYST is on the minus strand). VCF-style: chr1-235715286-A-G. GRCh37 (hg19) VCF-style: chr1-235878586-A-G.
Other names: c.9699T>C, p.Tyr3233= (NM_001301365.1).
Identifiers: ClinVar variation 2640098 (VCV002640098.24), dbSNP rs2527406362, ClinGen allele CA423765354.

ClinVar aggregate classification (germline): Likely benign (1 of 4 stars; one submission).

Allele frequency attached by ClinVar (database versions not stated): gnomAD exomes below 0.00001.
gnomAD v4.1: 1 of 1,613,520 alleles (0.000062%); highest among the groups gnomAD compares: Non-Finnish European, 0.000085%; no homozygotes.

Submission:

CeGaT Center for Human Genetics Tuebingen
Classification: Likely benign. Last evaluated: 2022-08-01. Review status: criteria provided, single submitter. Criteria: CeGaT Center For Human Genetics Tuebingen Variant Classification Criteria Version 2. Collection method: clinical testing. Allele origin: germline. Affected: yes. Observed: 1 variant allele.
Comment: LYST: PM2:Supporting, BP4, BP7